The following is an entry in ClinVar:

NM_013351.2(TBX21):c.113C>A (p.Pro38Gln)

Genes: TBX21 (T-box transcription factor 21; plus strand), LOC109286563 (TBX21 promoter region; plus strand). Cytogenetic location: 17q21.32.
Variant type: single nucleotide variant.
Coding change: c.113C>A on transcript NM_013351.2 (MANE Select); coding-DNA position 113, C replaced by A.
Protein change: p.Pro38Gln; replaces proline 38 with glutamine.
Molecular consequence: missense variant.
Genome position (GRCh38, 1-based): chr17:47,733,567, C>A. VCF-style: chr17-47733567-C-A. GRCh37 (hg19) VCF-style: chr17-45810933-C-A.
Other names: c.113C>A (NM_013351.1); short protein forms P38Q.
Identifiers: ClinVar variation 2500097 (VCV002500097.3), dbSNP rs530103182, ClinGen allele CA291302112.

ClinVar aggregate classification (germline): Uncertain significance. Review status: criteria provided, multiple submitters, no conflicts (2 of 4 stars). 2 submissions from 2 submitters: Uncertain significance (2). Last evaluated 2024-06-07.

Conditions:
Asthma, nasal polyps, and aspirin intolerance. Also called: ASA TRIAD. Identifiers: MedGen C1859648, MONDO:0008834, OMIM 208550.
Immunodeficiency 88. Also called: IMMUNODEFICIENCY 88, MYCOBACTERIOSIS, AUTOSOMAL RECESSIVE. Identifiers: MedGen C5562026, MONDO:0030483, OMIM 619630.

Allele frequency attached by ClinVar (database versions not stated): TOPMed 0.00002; gnomAD 0.00004; 1000 Genomes Project 0.00020; 1000 Genomes Project 30x 0.00047.

Submissions (2):

Ambry Genetics
Classification: Uncertain significance. Last evaluated: 2024-06-07. Review status: criteria provided, single submitter. Criteria: Ambry Variant Classification Scheme 2023. Collection method: clinical testing. Allele origin: germline.

Center for Genomics, Ann and Robert H. Lurie Children's Hospital of Chicago
Classification: Uncertain significance for Asthma, nasal polyps, and aspirin intolerance; Immunodeficiency 88. Review status: criteria provided, single submitter. Criteria: ACMG Guidelines, 2015. Collection method: clinical testing. Allele origin: germline.
Comment: This variant has not been reported in the literature but is present in the Genome Aggregation Database (Highest reported MAF 0.01% (6/41430). This variant amino acid Glutamine (Gln) is present in several species and is not well conserved among evolutionarily distant species; this suggests that this variant may not impact the protein. Additional computational prediction tools do not suggest an impact. In summary, data on this variant is insufficient for disease classification. Therefore, the clinical significance of this variant is uncertain